The following is an entry in ClinVar:

NM_005612.5(REST):c.1095C>T (p.His365=)

Gene: REST (RE1 silencing transcription factor; plus strand). Cytogenetic location: 4q12.
Variant type: single nucleotide variant.
Coding change: c.1095C>T on transcript NM_005612.5 (MANE Select); coding-DNA position 1095, C replaced by T.
Protein change: p.His365=; no amino-acid change (histidine 365 retained).
Molecular consequence: synonymous variant.
Genome position (GRCh38, 1-based): chr4:56,929,953, C>T. VCF-style: chr4-56929953-C-T. GRCh37 (hg19) VCF-style: chr4-57796119-C-T.
Other names: c.1095C>T, p.His365= (NM_001193508.2, NM_001363453.3).
Identifiers: ClinVar variation 1168380 (VCV001168380.16), dbSNP rs139443175, ClinGen allele CA2932216.

ClinVar aggregate classification (germline): Benign/Likely benign. Review status: criteria provided, multiple submitters, no conflicts (2 of 4 stars). 4 submissions from 4 submitters: Benign (1); Likely benign (2). 1 of the submissions does not count toward it. Last evaluated 2026-03-01.

Conditions:
REST-related disorder. Also called: REST-related condition.

Allele frequency attached by ClinVar (database versions not stated): ExAC 0.00035; ESP Exome Variant Server 0.00054; gnomAD 0.00059 and 0.00061; TOPMed 0.00062.
gnomAD v4.1: 1,509 of 1,614,054 alleles (0.093%); highest among the groups gnomAD compares: Non-Finnish European, 0.12%; 2 homozygotes.

Submissions (4):

CeGaT Center for Human Genetics Tuebingen
Classification: Likely benign. Last evaluated: 2026-03-01. Review status: criteria provided, single submitter. Criteria: CeGaT Center For Human Genetics Tuebingen Variant Classification Criteria Version 2. Collection method: clinical testing. Allele origin: germline. Affected: yes. Observed: 1 variant allele.
Comment: REST: BP4, BS1

Labcorp Genetics (formerly Invitae), Labcorp
Classification: Benign. Last evaluated: 2026-02-01. Review status: criteria provided, single submitter. Criteria: Invitae Variant Classification Sherloc (09022015). Collection method: clinical testing. Allele origin: germline.

Blueprint Genetics
Classification: Likely benign. Last evaluated: 2024-11-21. Review status: criteria provided, single submitter. Criteria: ACMG Guidelines, 2015. Collection method: clinical testing. Allele origin: germline.

PreventionGenetics, part of Exact Sciences
Classification: Likely benign for REST-related condition. Last evaluated: 2020-01-31. Review status: no assertion criteria provided. Collection method: clinical testing. Allele origin: germline. Not counted in ClinVar's aggregate classification.
Comment: This variant is classified as likely benign based on ACMG/AMP sequence variant interpretation guidelines (Richards et al. 2015 PMID: 25741868, with internal and published modifications).